The following is an entry in ClinVar:

NM_002485.5(NBN):c.584+1G>T

Gene: NBN (nibrin; minus strand). Cytogenetic location: 8q21.3.
Variant type: single nucleotide variant.
Coding change: c.584+1G>T on transcript NM_002485.5 (MANE Select); the canonical splice donor site of the intron after coding-DNA position 584, G replaced by T.
Molecular consequence: splice donor variant.
Genome position (GRCh38, 1-based): chr8:89,978,219, C>A on the plus strand (G>T on the coding strand, the complement: NBN is on the minus strand). VCF-style: chr8-89978219-C-A. GRCh37 (hg19) VCF-style: chr8-90990447-C-A.
Other names: c.338+1G>T (NM_001024688.3).
Identifiers: ClinVar variation 2808926 (VCV002808926.3), dbSNP rs1811862598, ClinGen allele CA371660055.

ClinVar aggregate classification (germline): Likely pathogenic (1 of 4 stars; one submission).

Conditions:
Microcephaly, normal intelligence and immunodeficiency (NBS). Also called: BERLIN BREAKAGE SYNDROME; Ataxia telangiectasia variant V1; Immunodeficiency, microcephaly with normal intelligence; IMMUNODEFICIENCY, MICROCEPHALY, AND CHROMOSOMAL INSTABILITY; SEEMANOVA SYNDROME II; Nijmegen breakage syndrome. Identifiers: Orphanet 647, MedGen C0398791, MONDO:0009623, OMIM 251260.

Submission:

Labcorp Genetics (formerly Invitae), Labcorp
Classification: Likely pathogenic for Microcephaly, normal intelligence and immunodeficiency. Last evaluated: 2022-10-19. Review status: criteria provided, single submitter. Criteria: Invitae Variant Classification Sherloc (09022015). Collection method: clinical testing. Allele origin: germline.
Comment: In summary, the currently available evidence indicates that the variant is pathogenic, but additional data are needed to prove that conclusively. Therefore, this variant has been classified as Likely Pathogenic. Studies have shown that disruption of this splice site results in skipping of exon 5 and introduces a premature termination codon (Invitae). The resulting mRNA is expected to undergo nonsense-mediated decay. This variant has not been reported in the literature in individuals affected with NBN-related conditions. This variant is not present in population databases (gnomAD no frequency). This sequence change affects a donor splice site in intron 5 of the NBN gene. RNA analysis indicates that disruption of this splice site induces altered splicing and may result in an absent or disrupted protein product.